The following is an entry in ClinVar:

NM_001267550.2(TTN):c.101792A>G (p.His33931Arg)

Genes: TTN (titin; minus strand), TTN-AS1 (TTN antisense RNA 1; plus strand). Cytogenetic location: 2q31.2.
Variant type: single nucleotide variant.
Coding change: c.101792A>G on transcript NM_001267550.2 (MANE Select); coding-DNA position 101792, A replaced by G.
Protein change: p.His33931Arg; replaces histidine 33931 with arginine.
Molecular consequence: missense variant.
Genome position (GRCh38, 1-based): chr2:178,534,823, T>C on the plus strand (A>G on the coding strand, the complement: TTN is on the minus strand). VCF-style: chr2-178534823-T-C. GRCh37 (hg19) VCF-style: chr2-179399550-T-C.
Other names: c.96869A>G, p.His32290Arg (NM_001256850.1); c.74597A>G, p.His24866Arg (NM_003319.4); c.94088A>G, p.His31363Arg (NM_133378.4); c.74972A>G, p.His24991Arg (NM_133432.3); c.75173A>G, p.His25058Arg (NM_133437.4); short protein forms H24866R, H25058R, H32290R, H31363R, H24991R, H33931R.
Identifiers: ClinVar variation 2007624 (VCV002007624.4), dbSNP rs2468550027, ClinGen allele CA349419471.
Genomic context (GRCh38, chr2:178,534,823, plus strand): 5'-CTTCTGGTTTGGTAAATGATATTTTCTGGTCTAATGTCAAAGTGTCCAATATTATGACTG[T>C]GTAAAAACTGAAGTGCTTCACAGACCTGGTGAACATAACTTACAATTTCTCTTTCATTAA-3'
Protein context (NP_001254479.2, residues 33921-33941): HQVCEALQFL[His33931Arg]SHNIGHFDIR

ClinVar aggregate classification (germline): Uncertain significance (1 of 4 stars; one submission).

Conditions:
Dilated cardiomyopathy 1G (CMD1G). Identifiers: Orphanet 154, MedGen C1858763, MONDO:0011400, OMIM 604145.
Autosomal recessive limb-girdle muscular dystrophy type 2J (LGMDR10). Also called: Limb-girdle muscular dystrophy, type 2J; MUSCULAR DYSTROPHY, LIMB-GIRDLE, AUTOSOMAL RECESSIVE 10. Identifiers: Orphanet 140922, MedGen C1837342, MONDO:0012127, OMIM 608807.

Submission:

Labcorp Genetics (formerly Invitae), Labcorp
Classification: Uncertain significance for Dilated cardiomyopathy 1G; Autosomal recessive limb-girdle muscular dystrophy type 2J. Last evaluated: 2022-06-17. Review status: criteria provided, single submitter. Criteria: Invitae Variant Classification Sherloc (09022015). Collection method: clinical testing. Allele origin: germline.
Comment: This variant has not been reported in the literature in individuals affected with TTN-related conditions. This sequence change replaces histidine, which is basic and polar, with arginine, which is basic and polar, at codon 33931 of the TTN protein (p.His33931Arg). This variant is not present in population databases (gnomAD no frequency). Experimental studies and prediction algorithms are not available or were not evaluated, and the functional significance of this variant is currently unknown. In summary, the available evidence is currently insufficient to determine the role of this variant in disease. Therefore, it has been classified as a Variant of Uncertain Significance. This variant is located in the M band of TTN (PMID: 25589632). Variants in this region may be relevant for neuromuscular disorders, but have not been definitively shown to cause cardiomyopathy (PMID: 23975875).

Literature cited by the submitters: PubMed 25589632; PubMed 23975875.